The following is an entry in ClinVar:

ClinVar aggregate classification (germline): Uncertain significance (1 of 4 stars; one submission).

Allele frequency attached by ClinVar (database versions not stated): gnomAD 0.00001; TOPMed 0.00001; gnomAD exomes 0.00002.
gnomAD v4.1: 29 of 1,613,348 alleles (0.0018%); highest among the groups gnomAD compares: East Asian, 0.0067%; no homozygotes.

Submission:

Labcorp Genetics (formerly Invitae), Labcorp
Classification: Uncertain significance. Last evaluated: 2023-11-24. Review status: criteria provided, single submitter. Criteria: Invitae Variant Classification Sherloc (09022015). Collection method: clinical testing. Allele origin: germline.
Comment: This sequence change replaces proline, which is neutral and non-polar, with leucine, which is neutral and non-polar, at codon 2473 of the FBN3 protein (p.Pro2473Leu). This variant is present in population databases (no rsID available, gnomAD 0.006%). This variant has not been reported in the literature in individuals affected with FBN3-related conditions. Advanced modeling of protein sequence and biophysical properties (such as structural, functional, and spatial information, amino acid conservation, physicochemical variation, residue mobility, and thermodynamic stability) has been performed at Invitae for this missense variant, however the output from this modeling did not meet the statistical confidence thresholds required to predict the impact of this variant on FBN3 protein function. In summary, the available evidence is currently insufficient to determine the role of this variant in disease. Therefore, it has been classified as a Variant of Uncertain Significance.

NM_032447.5(FBN3):c.7418C>T (p.Pro2473Leu)

Gene: FBN3 (fibrillin 3; minus strand). Cytogenetic location: 19p13.2.
Variant type: single nucleotide variant.
Coding change: c.7418C>T on transcript NM_032447.5 (MANE Select); coding-DNA position 7418, C replaced by T.
Protein change: p.Pro2473Leu; replaces proline 2473 with leucine.
Molecular consequence: missense variant.
Genome position (GRCh38, 1-based): chr19:8,081,038, G>A on the plus strand (C>T on the coding strand, the complement: FBN3 is on the minus strand). VCF-style: chr19-8081038-G-A. GRCh37 (hg19) VCF-style: chr19-8145922-G-A.
Other names: c.7418C>T, p.Pro2473Leu (NM_001321431.2); short protein forms P2473L.
Identifiers: ClinVar variation 2994625 (VCV002994625.3), dbSNP rs1315446101, ClinGen allele CA403705710.